The following is an entry in ClinVar:

NM_001853.4(COL9A3):c.1548+1G>A

Genes: COL9A3 (collagen type IX alpha 3 chain; plus strand), LOC126863084 (MED14-independent group 3 enhancer GRCh37_chr20:61467141-61468340; plus strand). Cytogenetic location: 20q13.33.
Variant type: single nucleotide variant.
Coding change: c.1548+1G>A on transcript NM_001853.4 (MANE Select); the canonical splice donor site of the intron after coding-DNA position 1548, G replaced by A.
Molecular consequence: splice donor variant.
Genome position (GRCh38, 1-based): chr20:62,836,334, G>A. VCF-style: chr20-62836334-G-A. GRCh37 (hg19) VCF-style: chr20-61467686-G-A.
Identifiers: ClinVar variation 3650110 (VCV003650110.2).

ClinVar aggregate classification (germline): Uncertain significance (1 of 4 stars; one submission).

Submission:

Labcorp Genetics (formerly Invitae), Labcorp
Classification: Uncertain significance. Last evaluated: 2024-06-19. Review status: criteria provided, single submitter. Criteria: Invitae Variant Classification Sherloc (09022015). Collection method: clinical testing. Allele origin: germline.
Comment: This sequence change affects a donor splice site in intron 28 of the COL9A3 gene. It is expected to disrupt RNA splicing. Variants that disrupt the donor or acceptor splice site typically lead to a loss of protein function (PMID: 16199547), however the current clinical and genetic evidence is not sufficient to establish whether loss-of-function variants in COL9A3 cause disease. This variant is not present in population databases (gnomAD no frequency). This variant has not been reported in the literature in individuals affected with COL9A3-related conditions. Algorithms developed to predict the effect of sequence changes on RNA splicing suggest that this variant may disrupt the consensus splice site. In summary, the available evidence is currently insufficient to determine the role of this variant in disease. Therefore, it has been classified as a Variant of Uncertain Significance.

Literature cited by the submitters: PubMed 16199547.